The following is an entry in ClinVar:

NM_006509.4(RELB):c.1441G>A (p.Gly481Arg)

Gene: RELB (RELB proto-oncogene, NF-kB subunit; plus strand). Cytogenetic location: 19q13.32.
Variant type: single nucleotide variant.
Coding change: c.1441G>A on transcript NM_006509.4 (MANE Select); coding-DNA position 1441, G replaced by A.
Protein change: p.Gly481Arg; replaces glycine 481 with arginine.
Molecular consequence: missense variant.
Genome position (GRCh38, 1-based): chr19:45,037,491, G>A. VCF-style: chr19-45037491-G-A. GRCh37 (hg19) VCF-style: chr19-45540749-G-A.
Other names: c.1432G>A, p.Gly478Arg (NM_001411087.1); short protein forms G478R, G481R.
Identifiers: ClinVar variation 3615122 (VCV003615122.2).

ClinVar aggregate classification (germline): Uncertain significance (1 of 4 stars; one submission).

Submission:

Labcorp Genetics (formerly Invitae), Labcorp
Classification: Uncertain significance. Last evaluated: 2024-09-16. Review status: criteria provided, single submitter. Criteria: Invitae Variant Classification Sherloc (09022015). Collection method: clinical testing. Allele origin: germline.
Comment: This sequence change replaces glycine, which is neutral and non-polar, with arginine, which is basic and polar, at codon 481 of the RELB protein (p.Gly481Arg). This variant is not present in population databases (gnomAD no frequency). This variant has not been reported in the literature in individuals affected with RELB-related conditions. An algorithm developed to predict the effect of missense changes on protein structure and function (PolyPhen-2) suggests that this variant is likely to be tolerated. In summary, the available evidence is currently insufficient to determine the role of this variant in disease. Therefore, it has been classified as a Variant of Uncertain Significance.